The following is an entry in ClinVar:

ClinVar aggregate classification (germline): Likely pathogenic (1 of 4 stars; one submission).

Conditions:
Dilated cardiomyopathy 1G (CMD1G). Identifiers: Orphanet 154, MedGen C1858763, MONDO:0011400, OMIM 604145.
Autosomal recessive limb-girdle muscular dystrophy type 2J (LGMDR10). Also called: Limb-girdle muscular dystrophy, type 2J; MUSCULAR DYSTROPHY, LIMB-GIRDLE, AUTOSOMAL RECESSIVE 10. Identifiers: Orphanet 140922, MedGen C1837342, MONDO:0012127, OMIM 608807.

Submission:

Labcorp Genetics (formerly Invitae), Labcorp
Classification: Likely pathogenic for Dilated cardiomyopathy 1G; Autosomal recessive limb-girdle muscular dystrophy type 2J. Last evaluated: 2024-11-13. Review status: criteria provided, single submitter. Criteria: Invitae Variant Classification Sherloc (09022015). Collection method: clinical testing. Allele origin: germline.
Comment: This sequence change creates a premature translational stop signal (p.Lys31246Glnfs*12) in the TTN gene. While this is not anticipated to result in nonsense mediated decay, it is expected to create a truncated TTN protein. This variant is not present in population databases (gnomAD no frequency). This variant has not been reported in the literature in individuals affected with TTN-related conditions. ClinVar contains an entry for this variant (Variation ID: 2055753). This variant is located in the A band of TTN (PMID: 25589632). Truncating variants in this region are significantly overrepresented in patients affected with dilated cardiomyopathy (PMID: 25589632). Truncating variants in this region have also been reported in individuals affected with autosomal recessive centronuclear myopathy (PMID: 23975875). In summary, the currently available evidence indicates that the variant is pathogenic, but additional data are needed to prove that conclusively. Therefore, this variant has been classified as Likely Pathogenic.

Literature cited by the submitters: PubMed 25589632; PubMed 23975875.

NM_001267550.2(TTN):c.93735dup (p.Lys31246fs)

Genes: TTN (titin; minus strand), TTN-AS1 (TTN antisense RNA 1; plus strand). Cytogenetic location: 2q31.2.
Variant type: Duplication.
Coding change: c.93735dup on transcript NM_001267550.2 (MANE Select); coding-DNA position 93735, one base duplicated (C; older notation c.93735dupC).
Protein change: p.Lys31246fs; shifts the reading frame from lysine 31246.
Molecular consequence: frameshift variant.
Genome position (GRCh38, 1-based): chr2:178,547,891, G duplicated on the plus strand (C on the coding strand, the reverse complement: TTN is on the minus strand); the first of 5 consecutive G bases (chr2:178,547,891-178,547,895); duplicating any one gives the same sequence. VCF-style (leftmost placement, unchanged base first): chr2-178547890-T-TG. GRCh37 (hg19) VCF-style: chr2-179412617-T-TG.
Other names: c.88812dup, p.Lys29605fs (NM_001256850.1); c.66540dup, p.Lys22181fs (NM_003319.4); c.86031dup, p.Lys28678fs (NM_133378.4); c.66915dup, p.Lys22306fs (NM_133432.3); c.67116dup, p.Lys22373fs (NM_133437.4); short protein forms K31246fs, K22181fs, K22373fs, K28678fs, K22306fs, K29605fs.
Identifiers: ClinVar variation 2055753 (VCV002055753.4), dbSNP rs2469109067, ClinGen allele CA2580064589.